The following is an entry in ClinVar:

ClinVar aggregate classification (germline): Uncertain significance (1 of 4 stars; one submission).

Conditions:
Familial adenomatous polyposis 1 (FAP1). Also called: FAMILIAL ADENOMATOUS POLYPOSIS 1, ATTENUATED; POLYPOSIS, ADENOMATOUS INTESTINAL. Identifiers: MedGen C2713442, MONDO:0021056, OMIM 175100. Disease mechanism: loss of function.

Allele frequency attached by ClinVar (database versions not stated): gnomAD exomes below 0.00001; gnomAD 0.00001; TOPMed below 0.00001.
gnomAD v4.1: 2 of 443,686 alleles (0.00045%); highest among the groups gnomAD compares: African/African-American, 0.002%; no homozygotes.

Submission:

Labcorp Genetics (formerly Invitae), Labcorp
Classification: Uncertain significance for Familial adenomatous polyposis 1. Last evaluated: 2025-12-30. Review status: criteria provided, single submitter. Criteria: Invitae Variant Classification Sherloc (09022015). Collection method: clinical testing. Allele origin: germline.
Comment: This variant occurs in a non-coding region of the APC gene. It does not change the encoded amino acid sequence of the APC protein. This variant is not present in population databases (gnomAD no frequency). This variant has not been reported in the literature in individuals affected with APC-related conditions. ClinVar contains an entry for this variant (Variation ID: 650293). Experimental studies and prediction algorithms are not available or were not evaluated, and the functional significance of this variant is currently unknown. In summary, the available evidence is currently insufficient to determine the role of this variant in disease. Therefore, it has been classified as a Variant of Uncertain Significance.

NM_001127511.3(APC):c.-220G>A

Genes: APC (APC regulator of Wnt signaling pathway; plus strand), LOC129994371 (ATAC-STARR-seq lymphoblastoid active region 22910; plus strand). Cytogenetic location: 5q22.2.
Variant type: single nucleotide variant.
Coding change: c.-220G>A on transcript NM_001127511.3; 220 bases upstream of the start codon, G replaced by A.
Molecular consequence: 5 prime UTR variant. On other transcripts: non-coding transcript variant (2).
Genome position (GRCh38, 1-based): chr5:112,707,498, G>A. VCF-style: chr5-112707498-G-A. GRCh37 (hg19) VCF-style: chr5-112043195-G-A.
Other names: c.-403G>A (NM_001354895.2, NM_001407447.1, NM_001407452.1 and 3 more transcripts); c.-220G>A (NM_001354897.2, NM_001354902.2, NM_001407446.1); c.-170G>A (NM_001407448.1, NM_001407450.1, NM_001407457.1 and 1 more transcripts); c.-194G>A (NM_001407453.1); c.-1438G>A (NM_001407470.1, NM_001407472.1).
Identifiers: ClinVar variation 650293 (VCV000650293.11), dbSNP rs1381567636, ClinGen allele CA802056997.